The following is an entry in ClinVar:

ClinVar aggregate classification (germline): Pathogenic (1 of 4 stars; one submission).

Submission:

GeneDx
Classification: Pathogenic. Last evaluated: 2025-06-29. Review status: criteria provided, single submitter. Criteria: GeneDx Variant Classification Process June 2021. Collection method: clinical testing. Allele origin: germline. Affected: yes.
Comment: Not observed at significant frequency in large population cohorts (gnomAD); Canonical splice site variant predicted to result in an in-frame loss of the adjacent exon in a gene for which loss of function is a known mechanism of disease; Deletions involving coding exons of this gene are a known mechanism of disease (HGMD); This variant is associated with the following publications: (PMID: 25525159, 34167565, 17785673)

NM_004369.4(COL6A3):c.6210+2T>A

Gene: COL6A3 (collagen type VI alpha 3 chain; minus strand). Cytogenetic location: 2q37.3.
Variant type: single nucleotide variant.
Coding change: c.6210+2T>A on transcript NM_004369.4 (MANE Select); the canonical splice donor site of the intron after coding-DNA position 6210, T replaced by A.
Molecular consequence: splice donor variant.
Genome position (GRCh38, 1-based): chr2:237,361,119, A>T on the plus strand (T>A on the coding strand, the complement: COL6A3 is on the minus strand). VCF-style: chr2-237361119-A-T. GRCh37 (hg19) VCF-style: chr2-238269762-A-T.
Other names: c.4389+2T>A (NM_057166.5); c.5592+2T>A (NM_057167.4).
Identifiers: ClinVar variation 4681071 (VCV004681071.1).